The following is an entry in ClinVar:

ClinVar aggregate classification (germline): Pathogenic/Likely pathogenic. Review status: criteria provided, multiple submitters, no conflicts (2 of 4 stars). 3 submissions from 3 submitters: Pathogenic (2); Likely pathogenic (1). Last evaluated 2026-01-12.

Conditions:
Inborn genetic diseases. Identifiers: MedGen C0950123, MeSH D030342.
Ovarian dysgenesis 6. Identifiers: MedGen C4748084, MONDO:0054850, OMIM 618078.
Galloway-Mowat syndrome 7. Identifiers: MedGen C5193044, MONDO:0032692, OMIM 618348.
Nephrotic syndrome, type 11 (NPHS11). Identifiers: Orphanet 656, MedGen C4225228, MONDO:0014752, OMIM 616730.

Submissions (3):

Labcorp Genetics (formerly Invitae), Labcorp
Classification: Pathogenic. Last evaluated: 2026-01-12. Review status: criteria provided, single submitter. Criteria: Invitae Variant Classification Sherloc (09022015). Collection method: clinical testing. Allele origin: germline.
Comment: This sequence change creates a premature translational stop signal (p.Asp144Valfs*9) in the NUP107 gene. It is expected to result in an absent or disrupted protein product. Loss-of-function variants in NUP107 are known to be pathogenic (PMID: 27190346). This variant is present in population databases (rs779366995, gnomAD 0.01%). This variant has not been reported in the literature in individuals affected with NUP107-related conditions. ClinVar contains an entry for this variant (Variation ID: 3922645). For these reasons, this variant has been classified as Pathogenic.

Ambry Genetics
Classification: Pathogenic for Inborn genetic diseases. Last evaluated: 2025-06-13. Review status: criteria provided, single submitter. Criteria: Ambry Variant Classification Scheme 2023. Collection method: clinical testing. Allele origin: germline.
Comment: The c.431delA alteration, located in exon 5 (coding exon 5) of the NUP107 gene, consists of a deletion of one nucleotide at position 431, causing a translational frameshift with a predicted alternate stop codon after 9 amino acids. This alteration is expected to result in loss of function by premature protein truncation or nonsense-mediated mRNA decay. Based on data from gnomAD, the - allele has an overall frequency of 0.002% (4/232286) total alleles studied. The highest observed frequency was 0.023% (4/17070) of East Asian alleles. Based on the available evidence, this alteration is classified as pathogenic.

Juno Genomics, Hangzhou Juno Genomics, Inc
Classification: Likely pathogenic for Ovarian dysgenesis 6; Galloway-Mowat syndrome 7; Nephrotic syndrome, type 11. Review status: criteria provided, single submitter. Criteria: ACMG Guidelines, 2015. Collection method: clinical testing. Allele origin: germline.
Comment: Absent from controls (or at extremely low frequency if recessive) in Genome Aggregation Database.;Null variant in a gene where loss of function (LOF) is a known mechanism of disease.

Literature cited by the submitters: PubMed 27190346 (cited by Labcorp Genetics (formerly Invitae), Labcorp).

NM_020401.4(NUP107):c.431del (p.Asp144fs)

Gene: NUP107 (nucleoporin 107; plus strand). Cytogenetic location: 12q15.
Variant type: Deletion.
Coding change: c.431del on transcript NM_020401.4 (MANE Select); coding-DNA position 431, one base deleted (A; older notation c.431delA).
Protein change: p.Asp144fs; shifts the reading frame from aspartic acid 144.
Molecular consequence: frameshift variant.
Genome position (GRCh38, 1-based): chr12:68,692,095, A deleted. VCF-style (leftmost placement, unchanged base first): chr12-68692094-GA-G. GRCh37 (hg19) VCF-style: chr12-69085874-GA-G.
Other names: c.344del, p.Asp115fs (NM_001330192.2); short protein forms D115fs, D144fs.
Identifiers: ClinVar variation 3922645 (VCV003922645.4).